The following is an entry in ClinVar:

ClinVar aggregate classification (germline): Uncertain significance (1 of 4 stars; one submission).

Conditions:
Autosomal dominant nocturnal frontal lobe epilepsy 5. Also called: CILIARY DYSKINESIA, PRIMARY, 28, WITHOUT SITUS INVERSUS; CILIARY DYSKINESIA, PRIMARY, 28, WITH SITUS INVERSUS; Epilepsy, nocturnal frontal lobe, 5; KCNT1-Related Epilepsy. Identifiers: Orphanet 98784, MedGen C3554306, MONDO:0014002, OMIM 615005.
Developmental and epileptic encephalopathy, 14 (DEE14). Also called: Early infantile epileptic encephalopathy 14. Identifiers: Orphanet 293181, MedGen C3554195, MONDO:0013989, OMIM 614959.

Allele frequency attached by ClinVar (database versions not stated): gnomAD exomes below 0.00001.
gnomAD v4.1: 1 of 1,610,834 alleles (0.000062%); highest among the groups gnomAD compares: Non-Finnish European, 0.000085%; no homozygotes.

Submission:

Labcorp Genetics (formerly Invitae), Labcorp
Classification: Uncertain significance for Autosomal dominant nocturnal frontal lobe epilepsy 5; Developmental and epileptic encephalopathy, 14. Last evaluated: 2022-03-01. Review status: criteria provided, single submitter. Criteria: Invitae Variant Classification Sherloc (09022015). Collection method: clinical testing. Allele origin: germline.
Comment: In summary, the available evidence is currently insufficient to determine the role of this variant in disease. Therefore, it has been classified as a Variant of Uncertain Significance. Advanced modeling of protein sequence and biophysical properties (such as structural, functional, and spatial information, amino acid conservation, physicochemical variation, residue mobility, and thermodynamic stability) performed at Invitae indicates that this missense variant is not expected to disrupt KCNT1 protein function. This variant has not been reported in the literature in individuals affected with KCNT1-related conditions. This variant is not present in population databases (gnomAD no frequency). This sequence change replaces isoleucine, which is neutral and non-polar, with valine, which is neutral and non-polar, at codon 143 of the KCNT1 protein (p.Ile143Val).

NM_020822.3(KCNT1):c.427A>G (p.Ile143Val)

Gene: KCNT1 (potassium sodium-activated channel subfamily T member 1; plus strand). Cytogenetic location: 9q34.3.
Variant type: single nucleotide variant.
Coding change: c.427A>G on transcript NM_020822.3 (MANE Select); coding-DNA position 427, A replaced by G.
Protein change: p.Ile143Val; replaces isoleucine 143 with valine.
Molecular consequence: missense variant.
Genome position (GRCh38, 1-based): chr9:135,751,034, A>G. VCF-style: chr9-135751034-A-G. GRCh37 (hg19) VCF-style: chr9-138642880-A-G.
Other names: c.283A>G, p.Ile95Val (NM_001272003.2); short protein forms I95V, I143V.
Identifiers: ClinVar variation 2105191 (VCV002105191.4), dbSNP rs2490782629, ClinGen allele CA375495121.